The following is an entry in ClinVar:

NM_017947.4(MOCOS):c.2600T>C (p.Val867Ala)

Gene: MOCOS (molybdenum cofactor sulfurase; plus strand). Cytogenetic location: 18q12.2.
Variant type: single nucleotide variant.
Coding change: c.2600T>C on transcript NM_017947.4 (MANE Select); coding-DNA position 2600, T replaced by C.
Protein change: p.Val867Ala; replaces valine 867 with alanine.
Molecular consequence: missense variant.
Genome position (GRCh38, 1-based): chr18:36,268,618, T>C. VCF-style: chr18-36268618-T-C. GRCh37 (hg19) VCF-style: chr18-33848581-T-C.
Other names: p.Val867Ala; short protein forms V867A.
Identifiers: ClinVar variation 1167735 (VCV001167735.14), dbSNP rs1057251, ClinGen allele CA8941113.

ClinVar aggregate classification (germline): Benign. Review status: criteria provided, multiple submitters, no conflicts (2 of 4 stars). 5 submissions from 5 submitters: Benign (5). Last evaluated 2026-02-03.

Conditions:
Xanthinuria type II. Also called: Xanthine dehydrogenase and aldehyde oxidase combined deficiency of; XDH and AOX dual deficiency. Identifiers: Orphanet 3467, Orphanet 93602, MedGen C1863688, MONDO:0011346, OMIM 603592.

Allele frequency attached by ClinVar (database versions not stated): 1000 Genomes Project 0.07248; 1000 Genomes Project 30x 0.07261; ESP Exome Variant Server 0.09234; TOPMed 0.09433; ExAC 0.09774; gnomAD exomes 0.10346 and 0.10457.
gnomAD v4.1: 166,118 of 1,613,846 alleles (10%); highest among the groups gnomAD compares: Admixed American, 19%; 9,393 homozygotes.

Submissions (5):

Labcorp Genetics (formerly Invitae), Labcorp
Classification: Benign for Xanthinuria type II. Last evaluated: 2026-02-03. Review status: criteria provided, single submitter. Criteria: Invitae Variant Classification Sherloc (09022015). Collection method: clinical testing. Allele origin: germline.

Blueprint Genetics
Classification: Benign. Last evaluated: 2024-11-28. Review status: criteria provided, single submitter. Criteria: ACMG Guidelines, 2015. Collection method: clinical testing. Allele origin: germline.

Mayo Clinic Laboratories, Mayo Clinic
Classification: Benign. Last evaluated: 2022-09-23. Review status: criteria provided, single submitter. Criteria: ACMG Guidelines, 2015. Collection method: clinical testing. Allele origin: germline. Observed: 32 variant alleles.
Comment: BA1, BP4

GeneDx
Classification: Benign. Last evaluated: 2018-11-12. Review status: criteria provided, single submitter. Criteria: GeneDx Variant Classification Process June 2021. Collection method: clinical testing. Allele origin: germline. Affected: yes.
Comment: This variant is associated with the following publications: (PMID: 27703193)

Breakthrough Genomics
Classification: Benign. Review status: criteria provided, single submitter. Criteria: ACMG Guidelines, 2015. Collection method: not provided. Allele origin: germline. Inheritance: Autosomal recessive inheritance. Affected: yes.